The following is an entry in ClinVar:

NM_025074.7(FRAS1):c.1623C>A (p.Gly541=)

Gene: FRAS1 (Fraser extracellular matrix complex subunit 1; plus strand). Cytogenetic location: 4q21.21.
Variant type: single nucleotide variant.
Coding change: c.1623C>A on transcript NM_025074.7 (MANE Select); coding-DNA position 1623, C replaced by A.
Protein change: p.Gly541=; no amino-acid change (glycine 541 retained).
Molecular consequence: synonymous variant.
Genome position (GRCh38, 1-based): chr4:78,308,154, C>A. VCF-style: chr4-78308154-C-A. GRCh37 (hg19) VCF-style: chr4-79229308-C-A.
Other names: c.1623C>A (NM_025074.6); c.1623C>A, p.Gly541= (NM_001166133.2).
Identifiers: ClinVar variation 2722676 (VCV002722676.5), dbSNP rs371293049, ClinGen allele CA2976370.

ClinVar aggregate classification (germline): Likely benign. Review status: criteria provided, single submitter (1 of 4 stars). 2 submissions from 2 submitters: Likely benign (1). 1 of the submissions does not count toward it. Last evaluated 2024-02-09.

Conditions:
FRAS1-related disorder. Also called: FRAS1-related condition.

Allele frequency attached by ClinVar (database versions not stated): 1000 Genomes Project 0.00020; 1000 Genomes Project 30x 0.00031.
gnomAD v4.1: 57 of 1,613,834 alleles (0.0035%); highest among the groups gnomAD compares: South Asian, 0.057%; 1 homozygote.

Submissions (2):

Labcorp Genetics (formerly Invitae), Labcorp
Classification: Likely benign. Last evaluated: 2024-02-09. Review status: criteria provided, single submitter. Criteria: Invitae Variant Classification Sherloc (09022015). Collection method: clinical testing. Allele origin: germline.

PreventionGenetics, part of Exact Sciences
Classification: Likely benign for FRAS1-related condition. Last evaluated: 2019-09-05. Review status: no assertion criteria provided. Collection method: clinical testing. Allele origin: germline. Not counted in ClinVar's aggregate classification.
Comment: This variant is classified as likely benign based on ACMG/AMP sequence variant interpretation guidelines (Richards et al. 2015 PMID: 25741868, with internal and published modifications).